The following is an entry in ClinVar:

NM_001844.5(COL2A1):c.1582-2A>T

Gene: COL2A1 (collagen type II alpha 1 chain; minus strand). Cytogenetic location: 12q13.11.
Variant type: single nucleotide variant.
Coding change: c.1582-2A>T on transcript NM_001844.5 (MANE Select); the canonical splice acceptor site of the intron before coding-DNA position 1582, A replaced by T.
Molecular consequence: splice acceptor variant.
Genome position (GRCh38, 1-based): chr12:47,985,828, T>A on the plus strand (A>T on the coding strand, the complement: COL2A1 is on the minus strand). VCF-style: chr12-47985828-T-A. GRCh37 (hg19) VCF-style: chr12-48379611-T-A.
Other names: c.1375-2A>T (NM_033150.3).
Identifiers: ClinVar variation 2041127 (VCV002041127.4), dbSNP rs1246123283, ClinGen allele CA384551882.

ClinVar aggregate classification (germline): Pathogenic (1 of 4 stars; one submission).

Submission:

Labcorp Genetics (formerly Invitae), Labcorp
Classification: Pathogenic. Last evaluated: 2022-10-18. Review status: criteria provided, single submitter. Criteria: Invitae Variant Classification Sherloc (09022015). Collection method: clinical testing. Allele origin: germline.
Comment: For these reasons, this variant has been classified as Pathogenic. Algorithms developed to predict the effect of sequence changes on RNA splicing suggest that this variant may disrupt the consensus splice site. Disruption of this splice site has been observed in individual(s) with clinical features of COL2A1-related conditions (Invitae). In at least one individual the variant was observed to be de novo. This variant is not present in population databases (gnomAD no frequency). This sequence change affects an acceptor splice site in intron 24 of the COL2A1 gene. It is expected to disrupt RNA splicing. Variants that disrupt the donor or acceptor splice site typically lead to a loss of protein function (PMID: 16199547), and loss-of-function variants in COL2A1 are known to be pathogenic (PMID: 20179744).

Literature cited by the submitters: PubMed 16199547; PubMed 20179744.